The following is an entry in ClinVar:

NM_007294.4(BRCA1):c.3901A>C (p.Ser1301Arg)

Genes: BRCA1 (BRCA1 DNA repair associated; minus strand), LOC126862571 (BRD4-independent group 4 enhancer GRCh37_chr17:41243136-41244335; plus strand). Cytogenetic location: 17q21.31.
Variant type: single nucleotide variant.
Coding change: c.3901A>C on transcript NM_007294.4 (MANE Select); coding-DNA position 3901, A replaced by C.
Protein change: p.Ser1301Arg; replaces serine 1301 with arginine.
Molecular consequence: missense variant. On other transcripts: intron variant (135).
Genome position (GRCh38, 1-based): chr17:43,091,630, T>G on the plus strand (A>C on the coding strand, the complement: BRCA1 is on the minus strand). VCF-style: chr17-43091630-T-G. GRCh37 (hg19) VCF-style: chr17-41243647-T-G.
Other names: c.791-607A>C (NM_001408406.1); c.788-598A>C (NM_007299.4, NM_001407974.1, NM_001408403.1 and 17 more transcripts); c.647-598A>C (NM_001408456.1, NM_001408455.1, NM_001408466.1 and 11 more transcripts); c.644-598A>C (NM_001408465.1, NM_001408468.1, NM_001408463.1 and 3 more transcripts); c.578-598A>C (NM_001408492.1, NM_001408484.1, NM_001408478.1 and 9 more transcripts); c.707-598A>C (NM_001408416.1, NM_001408413.1); c.3688A>C, p.Ser1230Arg (NM_001407571.1, NM_001407853.1, NM_001407894.1 and 9 more transcripts); c.521-598A>C (NM_001408504.1, NM_001408503.1, NM_001408505.1); and 41 more; short protein forms S1254R, S1274R, S1300R, S1301R, S1005R, S1133R, S1173R, S1190R.
Identifiers: ClinVar variation 3481861 (VCV003481861.1).

ClinVar aggregate classification (germline): Uncertain significance (1 of 4 stars; one submission).

Conditions:
Hereditary cancer-predisposing syndrome. Also called: Tumor predisposition; Neoplastic Syndromes, Hereditary; Hereditary Cancer Syndrome; Hereditary neoplastic syndrome. Identifiers: Orphanet 140162, MedGen C0027672, MeSH D009386, MONDO:0015356.

gnomAD v4.1: 1 of 1,614,228 alleles (0.000062%); highest among the groups gnomAD compares: Non-Finnish European, 0.000085%; no homozygotes.

Submission:

Ambry Genetics
Classification: Uncertain significance for Hereditary cancer-predisposing syndrome. Last evaluated: 2024-09-16. Review status: criteria provided, single submitter. Criteria: Ambry Variant Classification Scheme 2023. Collection method: clinical testing. Allele origin: germline.
Comment: The p.S1301R variant (also known as c.3901A>C), located in coding exon 9 of the BRCA1 gene, results from an A to C substitution at nucleotide position 3901. The serine at codon 1301 is replaced by arginine, an amino acid with dissimilar properties. This amino acid position is not well conserved in available vertebrate species. In addition, the in silico prediction for this alteration is inconclusive. Based on the available evidence, the clinical significance of this variant remains unclear.